The following is an entry in ClinVar:

NM_001447.3(FAT2):c.4300C>T (p.His1434Tyr)

Genes: FAT2 (FAT atypical cadherin 2; minus strand), SLC36A1 (solute carrier family 36 member 1; plus strand). Cytogenetic location: 5q33.1.
Variant type: single nucleotide variant.
Coding change: c.4300C>T on transcript NM_001447.3 (MANE Select); coding-DNA position 4300, C replaced by T.
Protein change: p.His1434Tyr; replaces histidine 1434 with tyrosine.
Molecular consequence: missense variant.
Genome position (GRCh38, 1-based): chr5:151,550,868, G>A on the plus strand (C>T on the coding strand, the complement: FAT2 is on the minus strand). VCF-style: chr5-151550868-G-A. GRCh37 (hg19) VCF-style: chr5-150930429-G-A.
Other names: short protein forms H1434Y.
Identifiers: ClinVar variation 3712478 (VCV003712478.2).

ClinVar aggregate classification (germline): Uncertain significance (1 of 4 stars; one submission).

gnomAD v4.1: 8 of 1,612,512 alleles (0.0005%); highest among the groups gnomAD compares: Non-Finnish European, 0.00068%; no homozygotes.

Submission:

Labcorp Genetics (formerly Invitae), Labcorp
Classification: Uncertain significance. Last evaluated: 2024-03-25. Review status: criteria provided, single submitter. Criteria: Invitae Variant Classification Sherloc (09022015). Collection method: clinical testing. Allele origin: germline.
Comment: This sequence change replaces histidine, which is basic and polar, with tyrosine, which is neutral and polar, at codon 1434 of the FAT2 protein (p.His1434Tyr). This variant is not present in population databases (gnomAD no frequency). This variant has not been reported in the literature in individuals affected with FAT2-related conditions. Advanced modeling of protein sequence and biophysical properties (such as structural, functional, and spatial information, amino acid conservation, physicochemical variation, residue mobility, and thermodynamic stability) performed at Invitae indicates that this missense variant is not expected to disrupt FAT2 protein function with a negative predictive value of 80%. In summary, the available evidence is currently insufficient to determine the role of this variant in disease. Therefore, it has been classified as a Variant of Uncertain Significance.